The following is an entry in ClinVar:

ClinVar aggregate classification (germline): Uncertain significance (1 of 4 stars; one submission).

Submission:

Ambry Genetics
Classification: Uncertain significance. Last evaluated: 2026-03-07. Review status: criteria provided, single submitter. Criteria: Ambry Variant Classification Scheme 2023. Collection method: clinical testing. Allele origin: germline.
Comment: The p.V781L variant (also known as c.2341G>C), located in coding exon 13 of the GEN1 gene, results from a G to C substitution at nucleotide position 2341. The valine at codon 781 is replaced by leucine, an amino acid with highly similar properties. This amino acid position is conserved. In addition, this alteration is predicted to be tolerated by in silico analysis. Based on the available evidence, the clinical significance of this variant remains unclear.

NM_001130009.3(GEN1):c.2341G>C (p.Val781Leu)

Gene: GEN1 (GEN1 structure-specific endonuclease; plus strand). Cytogenetic location: 2p24.2.
Variant type: single nucleotide variant.
Coding change: c.2341G>C on transcript NM_001130009.3 (MANE Select); coding-DNA position 2341, G replaced by C.
Protein change: p.Val781Leu; replaces valine 781 with leucine.
Molecular consequence: missense variant.
Genome position (GRCh38, 1-based): chr2:17,781,553, G>C. VCF-style: chr2-17781553-G-C. GRCh37 (hg19) VCF-style: chr2-17962820-G-C.
Other names: c.2341G>C, p.Val781Leu (NM_182625.5); short protein forms V781L.
Identifiers: ClinVar variation 4826302 (VCV004826302.1).
Genomic context (GRCh38, chr2:17,781,553, plus strand): 5'-ACAGTGGTAAAGACCTGCAATGTTAGACCACCAAATACTGCTTTAGATCATAGTAGAAAA[G>C]TTGATATGCAAACCACTCGGAAAATTTTAATGAAGAAGAGTGTTTGCCTTGACAGACATT-3'
Protein context (NP_001123481.3, residues 771-791): PNTALDHSRK[Val781Leu]DMQTTRKILM